The following is an entry in ClinVar:

NM_001943.5(DSG2):c.2813C>A (p.Thr938Asn)

Genes: DSG2-AS1 (DSG2 antisense RNA 1; minus strand), DSG2 (desmoglein 2; plus strand). Cytogenetic location: 18q12.1.
Variant type: single nucleotide variant.
Coding change: c.2813C>A on transcript NM_001943.5 (MANE Select); coding-DNA position 2813, C replaced by A.
Protein change: p.Thr938Asn; replaces threonine 938 with asparagine.
Molecular consequence: missense variant.
Genome position (GRCh38, 1-based): chr18:31,546,199, C>A. VCF-style: chr18-31546199-C-A. GRCh37 (hg19) VCF-style: chr18-29126162-C-A.
Other names: short protein forms T938N.
Identifiers: ClinVar variation 1171453 (VCV001171453.8), dbSNP rs919875624, ClinGen allele CA297702298.

ClinVar aggregate classification (germline): Uncertain significance. Review status: criteria provided, multiple submitters, no conflicts (2 of 4 stars). 4 submissions from 4 submitters: Uncertain significance (4). Last evaluated 2024-07-24.

Conditions:
Arrhythmogenic right ventricular dysplasia 10. Also called: Arrhythmogenic Right Ventricular Dysplasia/Cardiomyopathy10; ARRHYTHMOGENIC RIGHT VENTRICULAR DYSPLASIA, FAMILIAL, 10; Arrhythmogenic right ventricular dysplasia/cardiomyopathy, type 10. Identifiers: MedGen C1857777, MONDO:0012434, OMIM 610193.
Dilated cardiomyopathy 1BB (CMD1BB). Also called: CARDIOMYOPATHY, DILATED, 1BB, SUSCEPTIBILITY TO. Identifiers: Orphanet 154, MedGen C2752072, MONDO:0013030, OMIM 612877.
Arrhythmogenic right ventricular cardiomyopathy (ARVD). Also called: Cardiomyopathy, ARVC; Arrhythmogenic right ventricular dysplasia; Arrhythmogenic cardiomyopathy; Arrhythmogenic Right Ventricular Cardiomyopathy (ARVC). Identifiers: Orphanet 247, MedGen C0349788, MeSH D019571, MONDO:0016587. Disease mechanism: loss of function. Inheritance: Various modes of inheritance.
Cardiomyopathy (CMYO). Also called: Cardiomyopathies. Identifiers: Orphanet 167848, MedGen C0878544, MONDO:0004994, HP:0001638. Inheritance: Various modes of inheritance.

Allele frequency attached by ClinVar (database versions not stated): gnomAD exomes below 0.00001 and 0.00001; gnomAD 0.00001; TOPMed 0.00001.
gnomAD v4.1: 15 of 1,613,538 alleles (0.00093%); highest among the groups gnomAD compares: Non-Finnish European, 0.0013%; no homozygotes.

Submissions (4):

Labcorp Genetics (formerly Invitae), Labcorp
Classification: Uncertain significance for Arrhythmogenic right ventricular dysplasia 10. Last evaluated: 2024-07-24. Review status: criteria provided, single submitter. Criteria: Invitae Variant Classification Sherloc (09022015). Collection method: clinical testing. Allele origin: germline.
Comment: This sequence change replaces threonine, which is neutral and polar, with asparagine, which is neutral and polar, at codon 938 of the DSG2 protein (p.Thr938Asn). This variant is present in population databases (no rsID available, gnomAD 0.0009%). This variant has not been reported in the literature in individuals affected with DSG2-related conditions. ClinVar contains an entry for this variant (Variation ID: 1171453). Advanced modeling of protein sequence and biophysical properties (such as structural, functional, and spatial information, amino acid conservation, physicochemical variation, residue mobility, and thermodynamic stability) performed at Invitae indicates that this missense variant is not expected to disrupt DSG2 protein function with a negative predictive value of 95%. In summary, the available evidence is currently insufficient to determine the role of this variant in disease. Therefore, it has been classified as a Variant of Uncertain Significance.

Color Diagnostics, LLC DBA Color Health
Classification: Uncertain significance for Cardiomyopathy. Last evaluated: 2024-03-06. Review status: criteria provided, single submitter. Criteria: ACMG Guidelines, 2015. Collection method: clinical testing. Allele origin: germline.
Comment: This missense variant replaces threonine with asparagine at codon 938 of the DSG2 protein. Computational prediction suggests that this variant may not impact protein structure and function (internally defined REVEL score threshold <= 0.5, PMID: 27666373). To our knowledge, functional studies have not been reported for this variant. This variant has not been reported in individuals affected with cardiovascular disorders in the literature. This variant has been identified in 1/248916 chromosomes in the general population by the Genome Aggregation Database (gnomAD). The available evidence is insufficient to determine the role of this variant in disease conclusively. Therefore, this variant is classified as a Variant of Uncertain Significance.

All of Us Research Program, National Institutes of Health
Classification: Uncertain significance for Arrhythmogenic right ventricular cardiomyopathy. Last evaluated: 2023-05-04. Review status: criteria provided, single submitter. Criteria: ACMG Guidelines, 2015. Collection method: clinical testing. Allele origin: germline. Inheritance: Autosomal dominant inheritance. Observed: 2 variant alleles, 2 heterozygotes.
Comment: This missense variant replaces threonine with asparagine at codon 938 of the DSG2 protein. Computational prediction suggests that this variant may not impact protein structure and function (internally defined REVEL score threshold <= 0.5, PMID: 27666373). To our knowledge, functional studies have not been reported for this variant. This variant has not been reported in individuals affected with cardiovascular disorders in the literature. This variant has been identified in 1/248916 chromosomes in the general population by the Genome Aggregation Database (gnomAD). The available evidence is insufficient to determine the role of this variant in disease conclusively. Therefore, this variant is classified as a Variant of Uncertain Significance.

This study involves interpretation of variants in research participants for the purpose of population health screening. Participant phenotype was not available at the time of variant classification. Additional details can be found in publication PMID: 35346344, PMCID: PMC8962531

Fulgent Genetics
Classification: Uncertain significance for Arrhythmogenic right ventricular dysplasia 10; Dilated cardiomyopathy 1BB. Last evaluated: 2021-08-10. Review status: criteria provided, single submitter. Criteria: ACMG Guidelines, 2015. Collection method: clinical testing. Allele origin: unknown.